The following is an entry in ClinVar:

ClinVar aggregate classification (germline): Uncertain significance (1 of 4 stars; one submission).

Allele frequency attached by ClinVar (database versions not stated): gnomAD exomes below 0.00001.
gnomAD v4.1: 1 of 1,614,156 alleles (0.000062%); highest among the groups gnomAD compares: Non-Finnish European, 0.000085%; no homozygotes.

Submission:

Labcorp Genetics (formerly Invitae), Labcorp
Classification: Uncertain significance. Last evaluated: 2022-10-17. Review status: criteria provided, single submitter. Criteria: Invitae Variant Classification Sherloc (09022015). Collection method: clinical testing. Allele origin: germline.
Comment: In summary, the available evidence is currently insufficient to determine the role of this variant in disease. Therefore, it has been classified as a Variant of Uncertain Significance. Advanced modeling of protein sequence and biophysical properties (such as structural, functional, and spatial information, amino acid conservation, physicochemical variation, residue mobility, and thermodynamic stability) performed at Invitae indicates that this missense variant is not expected to disrupt WNT3 protein function. This variant has not been reported in the literature in individuals affected with WNT3-related conditions. This variant is not present in population databases (gnomAD no frequency). This sequence change replaces lysine, which is basic and polar, with arginine, which is basic and polar, at codon 237 of the WNT3 protein (p.Lys237Arg).

NM_030753.5(WNT3):c.710A>G (p.Lys237Arg)

Genes: WNT3 (Wnt family member 3; minus strand), LRRC37A2 (leucine rich repeat containing 37 member A2). Cytogenetic location: 17q21.31.
Variant type: single nucleotide variant.
Coding change: c.710A>G on transcript NM_030753.5 (MANE Select); coding-DNA position 710, A replaced by G.
Protein change: p.Lys237Arg; replaces lysine 237 with arginine.
Molecular consequence: missense variant.
Genome position (GRCh38, 1-based): chr17:46,768,678, T>C on the plus strand (A>G on the coding strand, the complement: WNT3 is on the minus strand). VCF-style: chr17-46768678-T-C. GRCh37 (hg19) VCF-style: chr17-44846044-T-C.
Other names: short protein forms K237R.
Identifiers: ClinVar variation 2020713 (VCV002020713.4), dbSNP rs2545981748, ClinGen allele CA400010242.
Genomic context (GRCh38, chr17:46,768,678, plus strand): 5'-TCCACCCAGCCTCGGGACTCACGGTGCTTCTCTACTACCATCTCCGAGGCGCTGTCATAC[T>C]TGTCCTTGAGGAAGTCACCGATGGCACGGAAGTCAGGCTGCGCCCACCAGCAGGTCTTCA-3'
Protein context (NP_110380.1, residues 227-247): FRAIGDFLKD[Lys237Arg]YDSASEMVVE